The following is an entry in ClinVar:

ClinVar aggregate classification (germline): Uncertain significance (1 of 4 stars; one submission).

Conditions:
Ataxia-telangiectasia-like disorder (ATLD). Identifiers: MedGen C1858391, MONDO:0011457.

gnomAD v4.1: 1 of 1,613,484 alleles (0.000062%); highest among the groups gnomAD compares: Non-Finnish European, 0.000085%; no homozygotes.

Submission:

Labcorp Genetics (formerly Invitae), Labcorp
Classification: Uncertain significance for Ataxia-telangiectasia-like disorder. Last evaluated: 2022-07-19. Review status: criteria provided, single submitter. Criteria: Invitae Variant Classification Sherloc (09022015). Collection method: clinical testing. Allele origin: germline.
Comment: Algorithms developed to predict the effect of sequence changes on RNA splicing suggest that this variant may disrupt the consensus splice site. In summary, the available evidence is currently insufficient to determine the role of this variant in disease. Therefore, it has been classified as a Variant of Uncertain Significance. Algorithms developed to predict the effect of missense changes on protein structure and function are either unavailable or do not agree on the potential impact of this missense change (SIFT: "Tolerated"; PolyPhen-2: "Probably Damaging"; Align-GVGD: "Class C0"). ClinVar contains an entry for this variant (Variation ID: 1681637). This variant has not been reported in the literature in individuals affected with MRE11-related conditions. This variant is not present in population databases (gnomAD no frequency). This sequence change replaces glycine, which is neutral and non-polar, with alanine, which is neutral and non-polar, at codon 58 of the MRE11 protein (p.Gly58Ala).

NM_005591.4(MRE11):c.173G>C (p.Gly58Ala)

Gene: MRE11 (MRE11 double strand break repair nuclease; minus strand). Cytogenetic location: 11q21.
Variant type: single nucleotide variant.
Coding change: c.173G>C on transcript NM_005591.4 (MANE Select); coding-DNA position 173, G replaced by C.
Protein change: p.Gly58Ala; replaces glycine 58 with alanine.
Molecular consequence: missense variant.
Genome position (GRCh38, 1-based): chr11:94,486,065, C>G on the plus strand (G>C on the coding strand, the complement: MRE11 is on the minus strand). VCF-style: chr11-94486065-C-G. GRCh37 (hg19) VCF-style: chr11-94219231-C-G.
Other names: c.173G>C, p.Gly58Ala (NM_001330347.2, NM_005590.4); short protein forms G58A.
Identifiers: ClinVar variation 1681637 (VCV001681637.8), dbSNP rs1482890077, ClinGen allele CA382379901.